The following is an entry in ClinVar:

NM_003331.5(TYK2):c.728G>A (p.Arg243Gln)

Gene: TYK2 (tyrosine kinase 2; minus strand). Cytogenetic location: 19p13.2.
Variant type: single nucleotide variant.
Coding change: c.728G>A on transcript NM_003331.5 (MANE Select); coding-DNA position 728, G replaced by A.
Protein change: p.Arg243Gln; replaces arginine 243 with glutamine.
Molecular consequence: missense variant.
Genome position (GRCh38, 1-based): chr19:10,365,800, C>T on the plus strand (G>A on the coding strand, the complement: TYK2 is on the minus strand). VCF-style: chr19-10365800-C-T. GRCh37 (hg19) VCF-style: chr19-10476476-C-T.
Other names: c.728G>A (LRG_121t1); short protein forms R243Q.
Identifiers: ClinVar variation 644766 (VCV000644766.8), dbSNP rs577896346, ClinGen allele CA404017254.

ClinVar aggregate classification (germline): Conflicting classifications of pathogenicity. Review status: criteria provided, conflicting classifications (1 of 4 stars). 2 submissions from 2 submitters: Uncertain significance (1); Likely benign (1). Last evaluated 2025-03-31.

Conditions:
Immunodeficiency 35 (IMD35). Also called: HIES WITH ATYPICAL MYCOBACTERIOSIS, AUTOSOMAL RECESSIVE; HYPER-IgE SYNDROME WITH ATYPICAL MYCOBACTERIOSIS, AUTOSOMAL RECESSIVE; TYK2 DEFICIENCY; Susceptibility to infection due to TYK2 deficiency. Identifiers: Orphanet 331226, MedGen C1969086, MONDO:0012682, OMIM 611521.

Allele frequency attached by ClinVar (database versions not stated): gnomAD exomes 0.00001; TOPMed 0.00001.
gnomAD v4.1: 10 of 1,612,148 alleles (0.00062%); highest among the groups gnomAD compares: South Asian, 0.0033%; no homozygotes.

Submissions (2):

Labcorp Genetics (formerly Invitae), Labcorp
Classification: Uncertain significance for Immunodeficiency 35. Last evaluated: 2025-03-31. Review status: criteria provided, single submitter. Criteria: Invitae Variant Classification Sherloc (09022015). Collection method: clinical testing. Allele origin: germline.
Comment: This sequence change replaces arginine, which is basic and polar, with glutamine, which is neutral and polar, at codon 243 of the TYK2 protein (p.Arg243Gln). This variant is present in population databases (no rsID available, gnomAD 0.01%). This variant has not been reported in the literature in individuals affected with TYK2-related conditions. ClinVar contains an entry for this variant (Variation ID: 644766). An algorithm developed to predict the effect of missense changes on protein structure and function outputs the following: PolyPhen-2: "Benign". The glutamine amino acid residue is found in multiple mammalian species, which suggests that this missense change does not adversely affect protein function. In summary, the available evidence is currently insufficient to determine the role of this variant in disease. Therefore, it has been classified as a Variant of Uncertain Significance.

Blueprint Genetics
Classification: Likely benign. Last evaluated: 2022-10-18. Review status: criteria provided, single submitter. Criteria: ACMG Guidelines, 2015. Collection method: clinical testing. Allele origin: germline.